The following is an entry in ClinVar:

NM_001378454.1(ALMS1):c.5711T>A (p.Ile1904Asn)

Gene: ALMS1 (ALMS1 centrosome and basal body associated protein; plus strand). Cytogenetic location: 2p13.1.
Variant type: single nucleotide variant.
Coding change: c.5711T>A on transcript NM_001378454.1 (MANE Select); coding-DNA position 5711, T replaced by A.
Protein change: p.Ile1904Asn; replaces isoleucine 1904 with asparagine.
Molecular consequence: missense variant.
Genome position (GRCh38, 1-based): chr2:73,452,238, T>A. VCF-style: chr2-73452238-T-A. GRCh37 (hg19) VCF-style: chr2-73679365-T-A.
Other names: c.5714T>A, p.Ile1905Asn (NM_015120.4); short protein forms I1905N, I1904N.
Identifiers: ClinVar variation 1749255 (VCV001749255.2), dbSNP rs1694676264, ClinGen allele CA347283053.

ClinVar aggregate classification (germline): Uncertain significance (1 of 4 stars; one submission).

Conditions:
Cardiovascular phenotype. Identifiers: MedGen CN230736.

Allele frequency attached by ClinVar (database versions not stated): gnomAD exomes below 0.00001.
gnomAD v4.1: 1 of 1,614,074 alleles (0.000062%); highest among the groups gnomAD compares: Non-Finnish European, 0.000085%; no homozygotes.

Submission:

Ambry Genetics
Classification: Uncertain significance for Cardiovascular phenotype. Last evaluated: 2020-10-06. Review status: criteria provided, single submitter. Criteria: Ambry Variant Classification Scheme 2023. Collection method: clinical testing. Allele origin: germline.
Comment: The p.I1905N variant (also known as c.5714T>A), located in coding exon 8 of the ALMS1 gene, results from a T to A substitution at nucleotide position 5714. The isoleucine at codon 1905 is replaced by asparagine, an amino acid with dissimilar properties. This amino acid position is not well conserved in available vertebrate species. In addition, this alteration is predicted to be tolerated by in silico analysis. Since supporting evidence is limited at this time, the clinical significance of this alteration remains unclear.